The following is an entry in ClinVar:

ClinVar aggregate classification (germline): Likely benign (0 of 4 stars; one submission).

Conditions:
LRP1B-related disorder. Also called: LRP1B-related condition.

Allele frequency attached by ClinVar (database versions not stated): gnomAD exomes 0.00002.
gnomAD v4.1: 13 of 1,611,532 alleles (0.00081%); highest among the groups gnomAD compares: Non-Finnish European, 0.0011%; no homozygotes.

Submission:

PreventionGenetics, part of Exact Sciences
Classification: Likely benign for LRP1B-related condition. Last evaluated: 2019-06-27. Review status: no assertion criteria provided. Collection method: clinical testing. Allele origin: germline.
Comment: This variant is classified as likely benign based on ACMG/AMP sequence variant interpretation guidelines (Richards et al. 2015 PMID: 25741868, with internal and published modifications).

NM_018557.3(LRP1B):c.11847A>G (p.Lys3949=)

Gene: LRP1B (LDL receptor related protein 1B; minus strand). Cytogenetic location: 2q22.1.
Variant type: single nucleotide variant.
Coding change: c.11847A>G on transcript NM_018557.3 (MANE Select); coding-DNA position 11847, A replaced by G.
Protein change: p.Lys3949=; no amino-acid change (lysine 3949 retained).
Molecular consequence: synonymous variant.
Genome position (GRCh38, 1-based): chr2:140,350,842, T>C on the plus strand (A>G on the coding strand, the complement: LRP1B is on the minus strand). VCF-style: chr2-140350842-T-C. GRCh37 (hg19) VCF-style: chr2-141108411-T-C.
Identifiers: ClinVar variation 3043432 (VCV003043432.2), dbSNP rs1174870911, ClinGen allele CA428891913.
Genomic context (GRCh38, chr2:140,350,842, plus strand): 5'-ATGGTATTTACTTACAATCAAGCCACTGTTTGCTTGCCTTTTTTCTCTGCCATGGATCCT[T>C]TTGTAGAAAATTCCGCCTGGATTAAACTGAGTACTCCAAATAATCATATCTCTTTGATAA-3'
Protein context (NP_061027.2, residues 3939-3959): TQFNPGGIFY[Lys3949=]RIHGREKRQA